The following is an entry in ClinVar:

ClinVar aggregate classification (germline): Benign/Likely benign. Review status: criteria provided, multiple submitters, no conflicts (2 of 4 stars). 5 submissions from 5 submitters: Benign (1); Likely benign (4). Last evaluated 2025-02-13.

Conditions:
Noonan syndrome 9 (NS9). Identifiers: Orphanet 648, MedGen C4225282, MONDO:0014691, OMIM 616559.
Noonan syndrome and Noonan-related syndrome. Identifiers: Orphanet 98733, MedGen C5681679, MONDO:0020297.
Cardiovascular phenotype. Identifiers: MedGen CN230736.

Allele frequency attached by ClinVar (database versions not stated): gnomAD 0.00001 and 0.00002; gnomAD exomes 0.00003 and 0.00005; TOPMed 0.00003; ExAC 0.00008; 1000 Genomes Project 30x 0.00016; 1000 Genomes Project 0.00020.
gnomAD v4.1: 23 of 1,610,240 alleles (0.0014%); highest among the groups gnomAD compares: East Asian, 0.047%; no homozygotes.

Submissions (5):

Ambry Genetics
Classification: Likely benign for Cardiovascular phenotype. Last evaluated: 2025-02-13. Review status: criteria provided, single submitter. Criteria: Ambry Variant Classification Scheme 2023. Collection method: clinical testing. Allele origin: germline.

Labcorp Genetics (formerly Invitae), Labcorp
Classification: Likely benign for Noonan syndrome 9. Last evaluated: 2025-01-27. Review status: criteria provided, single submitter. Criteria: Invitae Variant Classification Sherloc (09022015). Collection method: clinical testing. Allele origin: germline.

Women's Health and Genetics/Laboratory Corporation of America, LabCorp
Classification: Likely benign. Last evaluated: 2022-06-16. Review status: criteria provided, single submitter. Criteria: LabCorp Variant Classification Summary - May 2015. Collection method: clinical testing. Allele origin: germline.
Comment: Variant summary: SOS2 c.1211C>T (p.Pro404Leu) results in a non-conservative amino acid change in the encoded protein sequence. Three of five in-silico tools predict a damaging effect of the variant on protein function. The variant allele was found at a frequency of 4.8e-05 in 248048 control chromosomes, predominantly at a frequency of 0.00066 within the East Asian subpopulation in the gnomAD database. The observed variant frequency within East Asian control individuals in the gnomAD database is approximately 264 fold of the estimated maximal expected allele frequency for a pathogenic variant in SOS2 causing Noonan Syndrome phenotype (2.5e-06), strongly suggesting that the variant is a benign polymorphism found primarily in populations of East Asian origin. To our knowledge, no occurrence of c.1211C>T in individuals affected with Noonan Syndrome and no experimental evidence demonstrating its impact on protein function have been reported. Two ClinVar submitters (evaluation after 2014) cite the variant as benign and likely benign. Based on the evidence outlined above, the variant was classified as likely benign.

Genome Diagnostics Laboratory, The Hospital for Sick Children
Classification: Benign for Noonan syndrome and Noonan-related syndrome. Last evaluated: 2020-04-01. Review status: criteria provided, single submitter. Criteria: ACMG Guidelines, 2015. Collection method: clinical testing. Allele origin: germline.

Genome-Nilou Lab
Classification: Likely benign for Noonan syndrome 9. Review status: criteria provided, single submitter. Criteria: ACMG Guidelines, 2015. Collection method: clinical testing. Allele origin: germline.

NM_006939.4(SOS2):c.1211C>T (p.Pro404Leu)

Gene: SOS2 (SOS Ras/Rho guanine nucleotide exchange factor 2; minus strand). Cytogenetic location: 14q21.3.
Variant type: single nucleotide variant.
Coding change: c.1211C>T on transcript NM_006939.4 (MANE Select); coding-DNA position 1211, C replaced by T.
Protein change: p.Pro404Leu; replaces proline 404 with leucine.
Molecular consequence: missense variant.
Genome position (GRCh38, 1-based): chr14:50,160,072, G>A on the plus strand (C>T on the coding strand, the complement: SOS2 is on the minus strand). VCF-style: chr14-50160072-G-A. GRCh37 (hg19) VCF-style: chr14-50626790-G-A.
Other names: c.1211C>T (NM_006939.2); short protein forms P404L.
Identifiers: ClinVar variation 1334211 (VCV001334211.13), dbSNP rs201265921, ClinGen allele CA7177307.